The following is an entry in ClinVar:

ClinVar aggregate classification (germline): Conflicting classifications of pathogenicity. Review status: criteria provided, conflicting classifications (1 of 4 stars). 2 submissions from 2 submitters: Likely pathogenic (1); Uncertain significance (1). Last evaluated 2026-04-03.

Conditions:
Neurofibromatosis, type 1 (NF1). Also called: VON RECKLINGHAUSEN DISEASE; Peripheral type neurofibromatosis; Neurofibromatosis, type I; NEUROFIBROMATOSIS, TYPE I, SOMATIC. Identifiers: Orphanet 636, MedGen C0027831, MONDO:0018975, OMIM 162200. Disease mechanism: loss of function.

Allele frequency attached by ClinVar (database versions not stated): gnomAD exomes below 0.00001.
gnomAD v4.1: 1 of 1,608,034 alleles (0.000062%); highest among the groups gnomAD compares: Non-Finnish European, 0.000085%; no homozygotes.

Submissions (2):

GeneDx
Classification: Likely pathogenic. Last evaluated: 2026-04-03. Review status: criteria provided, single submitter. Criteria: GeneDx Variant Classification Process June 2021. Collection method: clinical testing. Allele origin: germline.
Comment: RNA studies demonstrate a damaging effect: in-frame loss of exon 24 (PMID: 39001468); Located in the critical GTPase activating protein domain (PMID: 2121369, 25486365); Not observed at significant frequency in large population cohorts (gnomAD); In silico analysis supports a deleterious effect on splicing; In silico analysis supports that this missense variant has a deleterious effect on protein structure/function; This variant is associated with the following publications: (PMID: 2121369, 25486365, 39001468)

Labcorp Genetics (formerly Invitae), Labcorp
Classification: Uncertain significance for Neurofibromatosis, type 1. Last evaluated: 2023-09-27. Review status: criteria provided, single submitter. Criteria: Invitae Variant Classification Sherloc (09022015). Collection method: clinical testing. Allele origin: germline.
Comment: This sequence change replaces arginine, which is basic and polar, with glycine, which is neutral and non-polar, at codon 1066 of the NF1 protein (p.Arg1066Gly). This variant is not present in population databases (gnomAD no frequency). This variant has not been reported in the literature in individuals affected with NF1-related conditions. ClinVar contains an entry for this variant (Variation ID: 937204). An algorithm developed to predict the effect of missense changes on protein structure and function (PolyPhen-2) suggests that this variant is likely to be disruptive. Algorithms developed to predict the effect of sequence changes on RNA splicing suggest that this variant may disrupt the consensus splice site. In summary, the available evidence is currently insufficient to determine the role of this variant in disease. Therefore, it has been classified as a Variant of Uncertain Significance.

NM_001042492.3(NF1):c.3196A>G (p.Arg1066Gly)

Gene: NF1 (neurofibromin 1; plus strand). Cytogenetic location: 17q11.2.
Variant type: single nucleotide variant.
Coding change: c.3196A>G on transcript NM_001042492.3 (MANE Select); coding-DNA position 3196, A replaced by G.
Protein change: p.Arg1066Gly; replaces arginine 1066 with glycine.
Molecular consequence: missense variant.
Genome position (GRCh38, 1-based): chr17:31,230,924, A>G. VCF-style: chr17-31230924-A-G. GRCh37 (hg19) VCF-style: chr17-29557942-A-G.
Other names: c.3196A>G, p.Arg1066Gly (NM_000267.4); short protein forms R1066G.
Identifiers: ClinVar variation 937204 (VCV000937204.7), dbSNP rs2067102998, ClinGen allele CA398988327.
Genomic context (GRCh38, chr17:31,230,924, plus strand): 5'-ACAGACTGGGTTATGGGAACATCAAACCAAGCAGCAGATGATGATGTAAAATGTCTTACA[A>G]GGTAAAAAAAGAATGACCTTCAAGTATTAGTGGGTTTTACTGTGAGAGTTATAACTACTT-3'
Protein context (NP_001035957.1, residues 1056-1076): AADDDVKCLT[Arg1066Gly]DLDQASMEAV